The following is an entry in ClinVar:

NM_181552.4(CUX1):c.479T>C (p.Ile160Thr)

Gene: CUX1 (cut like homeobox 1; plus strand). Cytogenetic location: 7q22.1.
Variant type: single nucleotide variant.
Coding change: c.479T>C on transcript NM_181552.4 (MANE Select); coding-DNA position 479, T replaced by C.
Protein change: p.Ile160Thr; replaces isoleucine 160 with threonine.
Molecular consequence: missense variant.
Genome position (GRCh38, 1-based): chr7:102,104,408, T>C. VCF-style: chr7-102104408-T-C. GRCh37 (hg19) VCF-style: chr7-101747688-T-C.
Other names: c.512T>C, p.Ile171Thr (NM_001202543.2, NM_001913.5, NM_181500.4); c.464T>C, p.Ile155Thr (NM_001202544.3); c.374T>C, p.Ile125Thr (NM_001202545.3); c.401T>C, p.Ile134Thr (NM_001202546.3); short protein forms I134T, I125T, I160T, I155T, I171T.
Identifiers: ClinVar variation 2517971 (VCV002517971.6), dbSNP rs1554487735, ClinGen allele CA368665030.

ClinVar aggregate classification (germline): Uncertain significance. Review status: criteria provided, multiple submitters, no conflicts (2 of 4 stars). 3 submissions from 3 submitters: Uncertain significance (3). Last evaluated 2026-02-16.

Conditions:
CUX1-related disorder. Also called: CUX1-related condition.
Inborn genetic diseases. Identifiers: MedGen C0950123, MeSH D030342.

Allele frequency attached by ClinVar (database versions not stated): gnomAD exomes below 0.00001.

Submissions (3):

PreventionGenetics, part of Exact Sciences
Classification: Uncertain significance for CUX1-related condition. Last evaluated: 2026-02-16. Review status: criteria provided, single submitter. Criteria: ACMG Guidelines, 2015. Collection method: clinical testing. Allele origin: germline.
Comment: The CUX1 c.512T>C variant is predicted to result in the amino acid substitution p.Ile171Thr. To our knowledge, this variant has not been reported in the literature. This variant is reported in 0.00088% of alleles in individuals of European (Non-Finnish) descent in gnomAD. At this time, the clinical significance of this variant is uncertain due to the absence of conclusive functional and genetic evidence.

Ambry Genetics
Classification: Uncertain significance for Inborn genetic diseases. Last evaluated: 2023-04-28. Review status: criteria provided, single submitter. Criteria: Ambry Variant Classification Scheme 2023. Collection method: clinical testing. Allele origin: germline.

Labcorp Genetics (formerly Invitae), Labcorp
Classification: Uncertain significance. Last evaluated: 2023-03-17. Review status: criteria provided, single submitter. Criteria: Invitae Variant Classification Sherloc (09022015). Collection method: clinical testing. Allele origin: germline.
Comment: This variant has not been reported in the literature in individuals affected with CUX1-related conditions. This sequence change replaces isoleucine, which is neutral and non-polar, with threonine, which is neutral and polar, at codon 171 of the CUX1 protein (p.Ile171Thr). This variant is present in population databases (no rsID available, gnomAD 0.0009%). Advanced modeling of protein sequence and biophysical properties (such as structural, functional, and spatial information, amino acid conservation, physicochemical variation, residue mobility, and thermodynamic stability) performed at Invitae indicates that this missense variant is not expected to disrupt CUX1 protein function. In summary, the available evidence is currently insufficient to determine the role of this variant in disease. Therefore, it has been classified as a Variant of Uncertain Significance.